The following is an entry in ClinVar:

ClinVar aggregate classification (germline): Conflicting classifications of pathogenicity. Review status: criteria provided, conflicting classifications (1 of 4 stars). 5 submissions from 5 submitters: Uncertain significance (3); Likely benign (1). 1 of the submissions does not count toward it. Last evaluated 2024-11-07.

Conditions:
Seckel syndrome 1 (SCKL1). Also called: MICROCEPHALIC PRIMORDIAL DWARFISM I. Identifiers: Orphanet 808, MedGen C4551474, MONDO:0008869, OMIM 210600.
Familial cutaneous telangiectasia and oropharyngeal predisposition cancer syndrome. Identifiers: Orphanet 313846, MedGen C3281203, MONDO:0013806, OMIM 614564.
Inborn genetic diseases. Identifiers: MedGen C0950123, MeSH D030342.

Allele frequency attached by ClinVar (database versions not stated): gnomAD 0.00001 and 0.00013; TOPMed 0.00005; 1000 Genomes Project 0.00040; gnomAD exomes 0.00041; ExAC 0.00043; 1000 Genomes Project 30x 0.00078.
gnomAD v4.1: 326 of 1,614,034 alleles (0.02%); highest among the groups gnomAD compares: South Asian, 0.32%; 2 homozygotes.

Submissions (5):

Labcorp Genetics (formerly Invitae), Labcorp
Classification: Uncertain significance. Last evaluated: 2024-11-07. Review status: criteria provided, single submitter. Criteria: Invitae Variant Classification Sherloc (09022015). Collection method: clinical testing. Allele origin: germline.
Comment: This sequence change affects a donor splice site in intron 43 of the ATR gene. It is expected to disrupt RNA splicing. Variants that disrupt the donor or acceptor splice site typically lead to a loss of protein function (PMID: 16199547), and loss-of-function variants in ATR are known to be pathogenic (PMID: 21228398, 23144622). This variant is present in population databases (rs200556378, gnomAD 0.3%), including at least one homozygous and/or hemizygous individual. This variant has not been reported in the literature in individuals affected with ATR-related conditions. ClinVar contains an entry for this variant (Variation ID: 805997). Algorithms developed to predict the effect of sequence changes on RNA splicing suggest that this variant may disrupt the consensus splice site. In summary, the available evidence is currently insufficient to determine the role of this variant in disease. Therefore, it has been classified as a Variant of Uncertain Significance.

Ambry Genetics
Classification: Likely benign for Inborn genetic diseases. Last evaluated: 2022-09-15. Review status: criteria provided, single submitter. Criteria: Ambry Variant Classification Scheme 2023. Collection method: clinical testing. Allele origin: germline.

Fulgent Genetics
Classification: Uncertain significance for Seckel syndrome 1; Familial cutaneous telangiectasia and oropharyngeal predisposition cancer syndrome. Last evaluated: 2021-11-05. Review status: criteria provided, single submitter. Criteria: ACMG Guidelines, 2015. Collection method: clinical testing. Allele origin: unknown.

Illumina Laboratory Services, Illumina
Classification: Uncertain significance for Seckel syndrome 1. Last evaluated: 2017-09-13. Review status: criteria provided, single submitter. Criteria: ICSL Variant Classification Criteria 13 December 2019. Collection method: clinical testing. Allele origin: germline.

Pediatric Oncology, Johns Hopkins University
Classification: Uncertain significance. Last evaluated: 2019-02-15. Review status: no assertion criteria provided. Collection method: clinical testing. Allele origin: somatic. Affected: no. Not counted in ClinVar's aggregate classification.

Literature cited by the submitters: PubMed 16199547 (cited by Labcorp Genetics (formerly Invitae), Labcorp); PubMed 21228398 (cited by Labcorp Genetics (formerly Invitae), Labcorp); PubMed 23144622 (cited by Labcorp Genetics (formerly Invitae), Labcorp).

NM_001184.4(ATR):c.7349+2T>C

Gene: ATR (ATR checkpoint kinase; minus strand). Cytogenetic location: 3q23.
Variant type: single nucleotide variant.
Coding change: c.7349+2T>C on transcript NM_001184.4 (MANE Select); the canonical splice donor site of the intron after coding-DNA position 7349, T replaced by C.
Molecular consequence: splice donor variant.
Genome position (GRCh38, 1-based): chr3:142,459,225, A>G on the plus strand (T>C on the coding strand, the complement: ATR is on the minus strand). VCF-style: chr3-142459225-A-G. GRCh37 (hg19) VCF-style: chr3-142178067-A-G.
Other names: c.7157+2T>C (NM_001354579.2).
Identifiers: ClinVar variation 805997 (VCV000805997.13), dbSNP rs200556378, ClinGen allele CA2649160.